The following is an entry in ClinVar:

ClinVar aggregate classification (germline): Pathogenic. Review status: criteria provided, multiple submitters, no conflicts (2 of 4 stars). 8 submissions from 7 submitters: Pathogenic (6). 2 of the submissions do not count toward it. Last evaluated 2024-06-11.

Conditions:
Usher syndrome. Also called: Usher Syndromes; Usher's syndrome. Identifiers: Orphanet 886, MedGen CN469326, MeSH D052245, MONDO:0019501. Disease mechanism: loss of function.
Retinitis pigmentosa 39 (RP39). Identifiers: Orphanet 791, MedGen C3151138, MONDO:0013436, OMIM 613809.
Usher syndrome type 2A. Also called: RETINAL DISEASE IN USHER SYNDROME TYPE IIA, MODIFIER OF; USHER SYNDROME, TYPE IIA. Identifiers: Orphanet 231178, Orphanet 886, MedGen C1848634, MONDO:0010169, OMIM 276901.
USH2A-related disorder. Also called: USH2A-related condition; USH2A-related disorders. Identifiers: MedGen CN239332.

Allele frequency attached by ClinVar (database versions not stated): TOPMed below 0.00001.
gnomAD v4.1: 6 of 1,614,158 alleles (0.00037%); highest among the groups gnomAD compares: Non-Finnish European, 0.00042%; no homozygotes.

Submissions (8):

Labcorp Genetics (formerly Invitae), Labcorp
Classification: Pathogenic. Last evaluated: 2024-06-11. Review status: criteria provided, single submitter. Criteria: Invitae Variant Classification Sherloc (09022015). Collection method: clinical testing. Allele origin: germline.
Comment: This sequence change creates a premature translational stop signal (p.Tyr4273*) in the USH2A gene. It is expected to result in an absent or disrupted protein product. Loss-of-function variants in USH2A are known to be pathogenic (PMID: 10729113, 10909849, 20507924, 25649381). This variant is not present in population databases (gnomAD no frequency). This premature translational stop signal has been observed in individual(s) with Usher syndrome (PMID: 27624628). ClinVar contains an entry for this variant (Variation ID: 438008). For these reasons, this variant has been classified as Pathogenic.

Fulgent Genetics
Classification: Pathogenic for Usher syndrome type 2A; Retinitis pigmentosa 39. Last evaluated: 2024-04-17. Review status: criteria provided, single submitter. Criteria: ACMG Guidelines, 2015. Collection method: clinical testing. Allele origin: germline.

Blueprint Genetics
Classification: Pathogenic for USH2A-related disorders. Last evaluated: 2024-03-15. Review status: criteria provided, single submitter. Criteria: ACMG Guidelines, 2015. Collection method: clinical testing. Allele origin: germline. Affected: yes. Observed: 4 variant alleles.

Genome-Nilou Lab
Classification: Pathogenic for Retinitis pigmentosa 39. Last evaluated: 2023-11-04. Review status: criteria provided, single submitter. Criteria: ACMG Guidelines, 2015. Collection method: clinical testing. Allele origin: germline. Affected: no.

Genome-Nilou Lab
Classification: Pathogenic for Usher syndrome type 2A. Last evaluated: 2023-11-04. Review status: criteria provided, single submitter. Criteria: ACMG Guidelines, 2015. Collection method: clinical testing. Allele origin: germline. Affected: no.

Baylor Genetics
Classification: Pathogenic for Retinitis pigmentosa 39. Last evaluated: 2023-07-29. Review status: criteria provided, single submitter. Criteria: ACMG Guidelines, 2015. Collection method: clinical testing. Allele origin: unknown.

Counsyl
Classification: Pathogenic for Usher syndrome type 2A; Retinitis pigmentosa 39. Last evaluated: 2017-10-27. Review status: no assertion criteria provided. Collection method: clinical testing. Allele origin: unknown. Not counted in ClinVar's aggregate classification.

NIHR Bioresource Rare Diseases, University of Cambridge
Classification: Likely pathogenic for Usher syndrome. Last evaluated: 2015-01-01. Review status: no assertion criteria provided. Collection method: research. Allele origin: unknown. Affected: yes. Observed: 1 variant allele. Not counted in ClinVar's aggregate classification.

Literature cited by the submitters: PubMed 10729113 (cited by Labcorp Genetics (formerly Invitae), Labcorp); PubMed 10909849 (cited by Labcorp Genetics (formerly Invitae), Labcorp); PubMed 20507924 (cited by Labcorp Genetics (formerly Invitae), Labcorp); PubMed 25649381 (cited by Labcorp Genetics (formerly Invitae), Labcorp); PubMed 27624628 (cited by Labcorp Genetics (formerly Invitae), Labcorp and Counsyl); PubMed 28041643 (cited by Counsyl and NIHR Bioresource Rare Diseases, University of Cambridge).

NM_206933.4(USH2A):c.12819T>A (p.Tyr4273Ter)

Gene: USH2A (usherin; minus strand). Cytogenetic location: 1q41.
Variant type: single nucleotide variant.
Coding change: c.12819T>A on transcript NM_206933.4 (MANE Select); coding-DNA position 12819, T replaced by A.
Protein change: p.Tyr4273Ter; replaces tyrosine 4273 with a stop codon.
Molecular consequence: nonsense.
Genome position (GRCh38, 1-based): chr1:215,675,092, A>T on the plus strand (T>A on the coding strand, the complement: USH2A is on the minus strand). VCF-style: chr1-215675092-A-T. GRCh37 (hg19) VCF-style: chr1-215848434-A-T.
Other names: short protein forms Y4273*.
Identifiers: ClinVar variation 438008 (VCV000438008.14), dbSNP rs1362058696, ClinGen allele CA344848937.
Genomic context (GRCh38, chr1:215,675,092, plus strand): 5'-ACCATTAGACTGTTCTGGTGGGATCCAGGAAATCAGCAGTTTTTGGGGATTCATAGAAAC[A>T]TAGGATATCACAGGTGGAGAGAGACCTTCTGGAGGTGCTTGCAATGTCCTCACCACATTC-3'